The following is an entry in ClinVar:

ClinVar aggregate classification (germline): Conflicting classifications of pathogenicity. Review status: criteria provided, conflicting classifications (1 of 4 stars). 6 submissions from 6 submitters: Uncertain significance (5); Likely benign (1). Last evaluated 2026-03-17.

Conditions:
Hereditary cancer-predisposing syndrome. Also called: Neoplastic Syndromes, Hereditary; Hereditary Cancer Syndrome; Tumor predisposition; Hereditary neoplastic syndrome. Identifiers: Orphanet 140162, MedGen C0027672, MeSH D009386, MONDO:0015356.
Hereditary breast ovarian cancer syndrome. Also called: BRCA1- and BRCA2-Associated Hereditary Breast and Ovarian Cancer; Hereditary breast and ovarian cancer; Hereditary breast and ovarian cancer syndrome; Hereditary breast and ovarian cancer syndrome (HBOC); Hereditary breast and/or ovarian cancer syndrome; Breast and ovarian cancer. Identifiers: Orphanet 145, MedGen C0677776, MeSH D061325, MONDO:0003582. Disease mechanism: loss of function.
Breast-ovarian cancer, familial, susceptibility to, 2 (BROVCA2). Also called: BRCA2 Hereditary Breast and Ovarian Cancer. Identifiers: Orphanet 145, MedGen C2675520, MONDO:0012933, OMIM 612555. Disease mechanism: loss of function.

Submissions (6):

GeneDx
Classification: Uncertain significance. Last evaluated: 2026-03-17. Review status: criteria provided, single submitter. Criteria: GeneDx Variant Classification Process June 2021. Collection method: clinical testing. Allele origin: germline.
Comment: Not observed at significant frequency in large population cohorts (gnomAD); In silico analysis supports that this missense variant has a deleterious effect on protein structure/function; Has not been previously published as pathogenic or benign to our knowledge; Also known as 2025A>G

Labcorp Genetics (formerly Invitae), Labcorp
Classification: Uncertain significance for Hereditary breast ovarian cancer syndrome. Last evaluated: 2026-01-20. Review status: criteria provided, single submitter. Criteria: Invitae Variant Classification Sherloc (09022015). Collection method: clinical testing. Allele origin: germline.
Comment: This sequence change replaces arginine, which is basic and polar, with glycine, which is neutral and non-polar, at codon 1997 of the BRCA2 protein (p.Arg1997Gly). This variant is not present in population databases (gnomAD no frequency). This variant has not been reported in the literature in individuals affected with BRCA2-related conditions. ClinVar contains an entry for this variant (Variation ID: 482971). Invitae Evidence Modeling of protein sequence and biophysical properties (such as structural, functional, and spatial information, amino acid conservation, physicochemical variation, residue mobility, and thermodynamic stability) indicates that this missense variant is not expected to disrupt BRCA2 protein function with a negative predictive value of 95%. In summary, the available evidence is currently insufficient to determine the role of this variant in disease. Therefore, it has been classified as a Variant of Uncertain Significance.

All of Us Research Program, National Institutes of Health
Classification: Uncertain significance for Breast-ovarian cancer, familial, susceptibility to, 2. Last evaluated: 2023-09-17. Review status: criteria provided, single submitter. Criteria: ACMG Guidelines, 2015. Collection method: clinical testing. Allele origin: germline. Inheritance: Autosomal dominant inheritance. Observed: 1 variant allele, 1 heterozygote.
Comment: This missense variant replaces arginine with glycine at codon 1997 of the BRCA2 protein. Computational prediction is inconclusive regarding the impact of this variant on protein structure and function (internally defined REVEL score threshold 0.5 < inconclusive < 0.7, PMID: 27666373). To our knowledge, functional studies have not been reported for this variant. This variant has not been reported in individuals affected with BRCA2-related disorders in the literature. This variant has not been identified in the general population by the Genome Aggregation Database (gnomAD). The available evidence is insufficient to determine the role of this variant in disease conclusively. Therefore, this variant is classified as a Variant of Uncertain Significance.

This study involves interpretation of variants in research participants for the purpose of population health screening. Participant phenotype was not available at the time of variant classification. Additional details can be found in publication PMID: 35346344, PMCID: PMC8962531

Women's Health and Genetics/Laboratory Corporation of America, LabCorp
Classification: Uncertain significance. Last evaluated: 2023-08-04. Review status: criteria provided, single submitter. Criteria: LabCorp Variant Classification Summary - May 2015. Collection method: clinical testing. Allele origin: germline.
Comment: Variant summary: BRCA2 c.5989A>G (p.Arg1997Gly) results in a non-conservative amino acid change in the encoded protein sequence. Five of five in-silico tools predict a damaging effect of the variant on protein function. The variant was absent in 250540 control chromosomes (gnomAD). The available data on variant occurrences in the general population are insufficient to allow any conclusion about variant significance. To our knowledge, no occurrence of c.5989A>G in individuals affected with Hereditary Breast And Ovarian Cancer Syndrome and no experimental evidence demonstrating its impact on protein function have been reported. One submitter have cited clinical-significance assessments for this variant to ClinVar after 2014 and classified the variant as uncertain significance. Based on the evidence outlined above, the variant was classified as uncertain significance.

University of Washington Department of Laboratory Medicine, University of Washington
Classification: Likely benign for Hereditary cancer-predisposing syndrome. Last evaluated: 2023-03-23. Review status: criteria provided, single submitter. Criteria: Dines et al. (Genet Med. 2020). Collection method: curation. Allele origin: germline.
Comment: Missense variant in a coldspot region where missense variants are very unlikely to be pathogenic (PMID:31911673).

BRCA2 exon 11 coldspot. Reclassification based on statistical prior probability.

Ambry Genetics
Classification: Uncertain significance for Hereditary cancer-predisposing syndrome. Last evaluated: 2019-01-17. Review status: criteria provided, single submitter. Criteria: Ambry Variant Classification Scheme 2023. Collection method: clinical testing. Allele origin: germline.
Comment: The p.R1997G variant (also known as c.5989A>G), located in coding exon 10 of the BRCA2 gene, results from an A to G substitution at nucleotide position 5989. The arginine at codon 1997 is replaced by glycine, an amino acid with dissimilar properties.This amino acid position is not well conserved in available vertebrate species. In addition, the in silico prediction for this alteration is inconclusive. Since supporting evidence is limited at this time, the clinical significance of this alteration remains unclear.

NM_000059.4(BRCA2):c.5989A>G (p.Arg1997Gly)

Gene: BRCA2 (BRCA2 DNA repair associated; plus strand). Cytogenetic location: 13q13.1.
Variant type: single nucleotide variant.
Coding change: c.5989A>G on transcript NM_000059.4 (MANE Select); coding-DNA position 5989, A replaced by G.
Protein change: p.Arg1997Gly; replaces arginine 1997 with glycine.
Molecular consequence: missense variant.
Genome position (GRCh38, 1-based): chr13:32,340,344, A>G. VCF-style: chr13-32340344-A-G. GRCh37 (hg19) VCF-style: chr13-32914481-A-G.
Other names: short protein forms R1997G.
Identifiers: ClinVar variation 482971 (VCV000482971.12), dbSNP rs1555284492, ClinGen allele CA387787655.
Genomic context (GRCh38, chr13:32,340,344, plus strand): 5'-ATTTTTAGCACAGCAAGTGGAAAATCTGTCCAGGTATCAGATGCTTCATTACAAAACGCA[A>G]GACAAGTGTTTTCTGAAATAGAAGATAGTACCAAGCAAGTCTTTTCCAAAGTATTGTTTA-3'
Protein context (NP_000050.3, residues 1987-2007): QVSDASLQNA[Arg1997Gly]QVFSEIEDST